The following is an entry in ClinVar:

ClinVar aggregate classification (germline): Likely pathogenic (1 of 4 stars; one submission).

Submission:

GeneDx
Classification: Likely pathogenic. Last evaluated: 2026-04-19. Review status: criteria provided, single submitter. Criteria: GeneDx Variant Classification Process June 2021. Collection method: clinical testing. Allele origin: germline.
Comment: Frameshift variant predicted to result in abnormal protein length as the last 587 amino acids are replaced with 53 different amino acids, and other similar variants have been reported in HGMD; Not observed at significant frequency in large population cohorts (gnomAD); Has not been previously published as pathogenic or benign to our knowledge

NM_024496.4(IRF2BPL):c.626dup (p.Glu210fs)

Gene: IRF2BPL (interferon regulatory factor 2 binding protein like; minus strand). Cytogenetic location: 14q24.3.
Variant type: Duplication.
Coding change: c.626dup on transcript NM_024496.4 (MANE Select); coding-DNA position 626, one base duplicated (C; older notation c.626dupC).
Protein change: p.Glu210fs; shifts the reading frame from glutamic acid 210.
Molecular consequence: frameshift variant.
Genome position (GRCh38, 1-based): chr14:77,027,167, G duplicated on the plus strand (C on the coding strand, the reverse complement: IRF2BPL is on the minus strand); the first of 5 consecutive G bases (chr14:77,027,167-77,027,171); duplicating any one gives the same sequence. VCF-style (leftmost placement, unchanged base first): chr14-77027166-T-TG. GRCh37 (hg19) VCF-style: chr14-77493509-T-TG.
Other names: short protein forms E210fs.
Identifiers: ClinVar variation 5036921 (VCV005036921.1).